The following is an entry in ClinVar:

ClinVar aggregate classification (germline): Uncertain significance. Review status: criteria provided, multiple submitters, no conflicts (2 of 4 stars). 2 submissions from 2 submitters: Uncertain significance (2). Last evaluated 2024-10-25.

Conditions:
X-linked Emery-Dreifuss muscular dystrophy. Also called: Muscular dystrophy, tardive Emery-Dreifuss type, with contractures. Identifiers: Orphanet 261, Orphanet 98863, MedGen C0751337, MONDO:0010680.
Emery-Dreifuss muscular dystrophy 1, X-linked (EDMD1). Also called: Muscular dystrophy, tardive, Dreifuss-Emery type, with contractures; SCAPULOPERONEAL SYNDROME, X-LINKED; HUMEROPERONEAL NEUROMUSCULAR DISEASE; EMD-Related Emery-Dreifuss Muscular Dystrophy, X-Linked. Identifiers: MedGen CN375556, MONDO:0100531, OMIM 310300.

Allele frequency attached by ClinVar (database versions not stated): gnomAD exomes below 0.00001; TOPMed below 0.00001.
gnomAD v4.1: 1 of 1,211,177 alleles (0.000083%); highest among the groups gnomAD compares: Non-Finnish European, 0.00011%; no homozygotes.

Submissions (2):

Labcorp Genetics (formerly Invitae), Labcorp
Classification: Uncertain significance for X-linked Emery-Dreifuss muscular dystrophy. Last evaluated: 2024-10-25. Review status: criteria provided, single submitter. Criteria: Invitae Variant Classification Sherloc (09022015). Collection method: clinical testing. Allele origin: germline.
Comment: This sequence change replaces serine, which is neutral and polar, with asparagine, which is neutral and polar, at codon 175 of the EMD protein (p.Ser175Asn). This variant is not present in population databases (gnomAD no frequency). This variant has not been reported in the literature in individuals affected with EMD-related conditions. ClinVar contains an entry for this variant (Variation ID: 2441220). Invitae Evidence Modeling of protein sequence and biophysical properties (such as structural, functional, and spatial information, amino acid conservation, physicochemical variation, residue mobility, and thermodynamic stability) indicates that this missense variant is not expected to disrupt EMD protein function with a negative predictive value of 80%. In summary, the available evidence is currently insufficient to determine the role of this variant in disease. Therefore, it has been classified as a Variant of Uncertain Significance.

Revvity Omics, Revvity
Classification: Uncertain significance for Emery-Dreifuss muscular dystrophy 1, X-linked. Last evaluated: 2022-12-13. Review status: criteria provided, single submitter. Criteria: ACMG Guidelines, 2015. Collection method: clinical testing. Allele origin: germline.

NM_000117.3(EMD):c.524G>A (p.Ser175Asn)

Gene: EMD (emerin; plus strand). Cytogenetic location: Xq28.
Variant type: single nucleotide variant.
Coding change: c.524G>A on transcript NM_000117.3 (MANE Select); coding-DNA position 524, G replaced by A.
Protein change: p.Ser175Asn; replaces serine 175 with asparagine.
Molecular consequence: missense variant.
Genome position (GRCh38, 1-based): chrX:154,380,956, G>A. VCF-style: chrX-154380956-G-A. GRCh37 (hg19) VCF-style: chrX-153609316-G-A.
Other names: short protein forms S175N.
Identifiers: ClinVar variation 2441220 (VCV002441220.6), dbSNP rs2067884357, ClinGen allele CA415258689.